The following is an entry in ClinVar:

NM_000271.5(NPC1):c.1947+8G>A

Gene: NPC1 (NPC intracellular cholesterol transporter 1; minus strand). Cytogenetic location: 18q11.2.
Variant type: single nucleotide variant.
Coding change: c.1947+8G>A on transcript NM_000271.5 (MANE Select); 8 bases into the intron after coding-DNA position 1947, G replaced by A.
Molecular consequence: intron variant.
Genome position (GRCh38, 1-based): chr18:23,544,952, C>T on the plus strand (G>A on the coding strand, the complement: NPC1 is on the minus strand). VCF-style: chr18-23544952-C-T. GRCh37 (hg19) VCF-style: chr18-21124916-C-T.
Identifiers: ClinVar variation 797432 (VCV000797432.13), dbSNP rs66620415, ClinGen allele CA915952525.

ClinVar aggregate classification (germline): Likely benign. Review status: criteria provided, multiple submitters, no conflicts (2 of 4 stars). 3 submissions from 3 submitters: Likely benign (2). 1 of the submissions does not count toward it. Last evaluated 2024-05-15.

Conditions:
NPC1-related disorder. Also called: NPC1-related condition.
Niemann-Pick disease, type C1. Also called: NIEMANN-PICK DISEASE, VARIANT TYPE C1; NEUROVISCERAL STORAGE DISEASE WITH VERTICAL SUPRANUCLEAR OPHTHALMOPLEGIA; NIEMANN-PICK DISEASE WITH CHOLESTEROL ESTERIFICATION BLOCK; NIEMANN-PICK DISEASE WITHOUT SPHINGOMYELINASE DEFICIENCY; NIEMANN-PICK DISEASE, CHRONIC NEURONOPATHIC FORM. Identifiers: Orphanet 646, MedGen C3179455, MONDO:0009757, OMIM 257220.

Allele frequency attached by ClinVar (database versions not stated): TOPMed below 0.00001.
gnomAD v4.1: 10 of 1,430,720 alleles (0.0007%); highest among the groups gnomAD compares: Middle Eastern, 0.1%; 1 homozygote.

Submissions (3):

Labcorp Genetics (formerly Invitae), Labcorp
Classification: Likely benign for Niemann-Pick disease, type C1. Last evaluated: 2024-05-15. Review status: criteria provided, single submitter. Criteria: Invitae Variant Classification Sherloc (09022015). Collection method: clinical testing. Allele origin: germline.

Blueprint Genetics
Classification: Likely benign. Last evaluated: 2024-03-06. Review status: criteria provided, single submitter. Criteria: ACMG Guidelines, 2015. Collection method: clinical testing. Allele origin: germline.

PreventionGenetics, part of Exact Sciences
Classification: Likely benign for NPC1-related condition. Last evaluated: 2023-06-11. Review status: no assertion criteria provided. Collection method: clinical testing. Allele origin: germline. Not counted in ClinVar's aggregate classification.
Comment: This variant is classified as likely benign based on ACMG/AMP sequence variant interpretation guidelines (Richards et al. 2015 PMID: 25741868, with internal and published modifications).